The following is an entry in ClinVar:

NM_001267550.2(TTN):c.2076G>T (p.Lys692Asn)

Gene: TTN (titin; minus strand). Cytogenetic location: 2q31.2.
Variant type: single nucleotide variant.
Coding change: c.2076G>T on transcript NM_001267550.2 (MANE Select); coding-DNA position 2076, G replaced by T.
Protein change: p.Lys692Asn; replaces lysine 692 with asparagine.
Molecular consequence: missense variant.
Genome position (GRCh38, 1-based): chr2:178,789,360, C>A on the plus strand (G>T on the coding strand, the complement: TTN is on the minus strand). VCF-style: chr2-178789360-C-A. GRCh37 (hg19) VCF-style: chr2-179654087-C-A.
Other names: c.2076G>T, p.Lys692Asn (NM_001256850.1, NM_133379.5, NM_133378.4); c.1938G>T, p.Lys646Asn (NM_003319.4, NM_133432.3, NM_133437.4); short protein forms K692N, K646N.
Identifiers: ClinVar variation 666941 (VCV000666941.4), dbSNP rs1333188525, ClinGen allele CA349504247.
Genomic context (GRCh38, chr2:178,789,360, plus strand): 5'-TGATATGTGGTATTAATGTATTATAATAGGGGATTTCACACTTGGAACAACAATAGTCAC[C>A]TTTCCATGGGTAACTTGGATTTGTTCTTGTCTAGTAGCCATAGTTTCTCTAGTTCTCAGT-3'
Protein context (NP_001254479.2, residues 682-702): RQEQIQVTHG[Lys692Asn]VDVGKKAEAV

ClinVar aggregate classification (germline): Uncertain significance (1 of 4 stars; one submission).

Submission:

Laboratory for Molecular Medicine, Mass General Brigham Personalized Medicine
Classification: Uncertain significance. Last evaluated: 2018-04-18. Review status: criteria provided, single submitter. Criteria: LMM Criteria. Collection method: clinical testing. Allele origin: germline. Observed: 1 variant allele.
Comment: The p.Lys692Asn variant in TTN has not been previously reported in individuals w ith cardiomyopathy and was absent from large population studies. This variant is located in the last base of the exon, which is part of the 5' splice region. Co mputational tools predict a possible impact on splicing; however, this informati on is not predictive enough to determine pathogenicity. In summary, the clinical significance of the p.Lys692Asn variant is uncertain. ACMG/AMP Criteria applied : PM2; PP3.